The following is an entry in ClinVar:

NM_000388.4(CASR):c.1502G>C (p.Gly501Ala)

Gene: CASR (calcium sensing receptor; plus strand). Cytogenetic location: 3q21.1.
Variant type: single nucleotide variant.
Coding change: c.1502G>C on transcript NM_000388.4 (MANE Select); coding-DNA position 1502, G replaced by C.
Protein change: p.Gly501Ala; replaces glycine 501 with alanine.
Molecular consequence: missense variant.
Genome position (GRCh38, 1-based): chr3:122,275,936, G>C. VCF-style: chr3-122275936-G-C. GRCh37 (hg19) VCF-style: chr3-121994783-G-C.
Other names: c.1502G>C, p.Gly501Ala (NM_001178065.2); short protein forms G501A.
Identifiers: ClinVar variation 1774042 (VCV001774042.2), dbSNP rs2473258017, ClinGen allele CA354155239.

ClinVar aggregate classification (germline): Uncertain significance (1 of 4 stars; one submission).

Conditions:
Nephrolithiasis/nephrocalcinosis. Identifiers: MedGen CN580796.

Submission:

Ambry Genetics
Classification: Uncertain significance for Nephrolithiasis/nephrocalcinosis. Last evaluated: 2022-06-07. Review status: criteria provided, single submitter. Criteria: Ambry Variant Classification Scheme 2023. Collection method: clinical testing. Allele origin: germline.
Comment: The p.G501A variant (also known as c.1502G>C), located in coding exon 4 of the CASR gene, results from a G to C substitution at nucleotide position 1502. The glycine at codon 501 is replaced by alanine, an amino acid with similar properties. This amino acid position is conserved. In addition, the in silico prediction for this alteration is inconclusive. Since supporting evidence is limited at this time, the clinical significance of this alteration remains unclear.